The following is an entry in ClinVar:

NM_002439.5(MSH3):c.3133_3137delinsACA (p.Ala1045fs)

Gene: MSH3 (mutS homolog 3; plus strand). Cytogenetic location: 5q14.1.
Variant type: Indel.
Coding change: c.3133_3137delinsACA on transcript NM_002439.5 (MANE Select); coding-DNA positions 3133 to 3137, GCAGC replaced by ACA.
Protein change: p.Ala1045fs; shifts the reading frame from alanine 1045.
Molecular consequence: frameshift variant.
Genome position (GRCh38, 1-based): chr5:80,873,118-80,873,122, GCAGC replaced by ACA. VCF-style: chr5-80873118-GCAGC-ACA. GRCh37 (hg19) VCF-style: chr5-80168937-GCAGC-ACA.
Other names: short protein forms A1045fs.
Identifiers: ClinVar variation 2673525 (VCV002673525.1), dbSNP rs2478804790, ClinGen allele CA2695198693.

ClinVar aggregate classification (germline): Pathogenic (1 of 4 stars; one submission).

Conditions:
Familial adenomatous polyposis 4 (FAP4). Also called: MSH3-related attenuated familial adenomatous polyposis. Identifiers: Orphanet 480536, MedGen C4310719, MONDO:0044300, OMIM 617100.

Submission:

Myriad Genetics, Inc.
Classification: Pathogenic for Familial adenomatous polyposis 4. Last evaluated: 2023-08-31. Review status: criteria provided, single submitter. Criteria: Myriad Autosomal Dominant, Autosomal Recessive and X-Linked Classification Criteria (2023). Collection method: clinical testing. Allele origin: unknown.
Comment: This variant is considered pathogenic. This variant creates a frameshift predicted to result in premature protein truncation.